The following is an entry in ClinVar:

ClinVar aggregate classification (germline): Likely benign (1 of 4 stars; one submission).

Submission:

GeneDx
Classification: Likely benign. Last evaluated: 2016-06-22. Review status: criteria provided, single submitter. Criteria: GeneDx Variant Classification (06012015). Collection method: clinical testing. Allele origin: germline. Affected: yes.
Comment: This variant is considered likely benign or benign based on one or more of the following criteria: it is a conservative change, it occurs at a poorly conserved position in the protein, it is predicted to be benign by multiple in silico algorithms, and/or has population frequency not consistent with disease.

NM_001165963.4(SCN1A):c.4338+18dup

Genes: SCN1A (sodium voltage-gated channel alpha subunit 1; minus strand), LOC102724058 (uncharacterized LOC102724058; plus strand). Cytogenetic location: 2q24.3.
Variant type: Duplication.
Coding change: c.4338+18dup on transcript NM_001165963.4 (MANE Select); 18 bases into the intron after coding-DNA position 4338, one base duplicated (T; older notation c.4338+18dupT).
Molecular consequence: intron variant.
Genome position (GRCh38, 1-based): chr2:165,999,705, A duplicated on the plus strand (T on the coding strand, the reverse complement: SCN1A is on the minus strand); the first of 2 consecutive A bases (chr2:165,999,705-165,999,706); duplicating either gives the same sequence. VCF-style (leftmost placement, unchanged base first): chr2-165999704-G-GA. GRCh37 (hg19) VCF-style: chr2-166856214-G-GA.
Other names: c.4305+18dup (NM_001353949.2, NM_001353950.2, NM_001353951.2 and 2 more transcripts); c.4254+18dup (NM_001353958.2, NM_001353957.2, NM_001165964.3); c.4338+18dup (NM_001202435.3, NM_001353948.2); c.4302+18dup (NM_001353955.2, NM_001353954.2); c.4251+18dup (NM_001353960.2); c.1896+18dup (NM_001353961.2); c.4338+18dupT (NM_001165963.1).
Identifiers: ClinVar variation 421447 (VCV000421447.1), dbSNP rs1064795145, ClinGen allele CA16617289.